The following is an entry in ClinVar:

ClinVar aggregate classification (germline): Likely benign (1 of 4 stars; one submission).

gnomAD v4.1: 10 of 1,612,956 alleles (0.00062%); highest among the groups gnomAD compares: Non-Finnish European, 0.00085%; no homozygotes.

Submission:

CeGaT Center for Human Genetics Tuebingen
Classification: Likely benign. Last evaluated: 2025-10-01. Review status: criteria provided, single submitter. Criteria: CeGaT Center For Human Genetics Tuebingen Variant Classification Criteria Version 2. Collection method: clinical testing. Allele origin: germline. Affected: yes. Observed: 1 variant allele.
Comment: KDM6B: BP4, BP7

NM_001348716.2(KDM6B):c.2104C>T (p.Leu702=)

Gene: KDM6B (lysine demethylase 6B; plus strand). Cytogenetic location: 17p13.1.
Variant type: single nucleotide variant.
Coding change: c.2104C>T on transcript NM_001348716.2 (MANE Select); coding-DNA position 2104, C replaced by T.
Protein change: p.Leu702=; no amino-acid change (leucine 702 retained).
Molecular consequence: synonymous variant.
Genome position (GRCh38, 1-based): chr17:7,848,392, C>T. VCF-style: chr17-7848392-C-T. GRCh37 (hg19) VCF-style: chr17-7751710-C-T.
Other names: c.2104C>T, p.Leu702= (NM_001080424.2).
Identifiers: ClinVar variation 4533980 (VCV004533980.6).